The following is an entry in ClinVar:

NM_032043.3(BRIP1):c.3018T>C (p.Asn1006=)

Gene: BRIP1 (BRCA1 interacting DNA helicase 1; minus strand). Cytogenetic location: 17q23.2.
Variant type: single nucleotide variant.
Coding change: c.3018T>C on transcript NM_032043.3 (MANE Select); coding-DNA position 3018, T replaced by C.
Protein change: p.Asn1006=; no amino-acid change (asparagine 1006 retained).
Molecular consequence: synonymous variant.
Genome position (GRCh38, 1-based): chr17:61,684,028, A>G on the plus strand (T>C on the coding strand, the complement: BRIP1 is on the minus strand). VCF-style: chr17-61684028-A-G. GRCh37 (hg19) VCF-style: chr17-59761389-A-G.
Identifiers: ClinVar variation 3378480 (VCV003378480.3).

ClinVar aggregate classification (germline): Benign/Likely benign. Review status: criteria provided, multiple submitters, no conflicts (2 of 4 stars). 2 submissions from 2 submitters: Benign (1); Likely benign (1). Last evaluated 2024-11-04.

Conditions:
Fanconi anemia complementation group J. Also called: BRIP1-Related Fanconi Anemia. Identifiers: Orphanet 84, MedGen C1836860, MONDO:0012187, OMIM 609054.
Familial cancer of breast. Also called: hereditary breast carcinoma; BREAST CANCER, FAMILIAL; Hereditary breast cancer. Identifiers: Orphanet 227535, MedGen C0346153, MONDO:0016419, OMIM 114480. Disease mechanism: loss of function.

Submissions (2):

Labcorp Genetics (formerly Invitae), Labcorp
Classification: Likely benign for Familial cancer of breast; Fanconi anemia complementation group J. Last evaluated: 2024-11-04. Review status: criteria provided, single submitter. Criteria: Invitae Variant Classification Sherloc (09022015). Collection method: clinical testing. Allele origin: germline.

Myriad Genetics, Inc.
Classification: Benign for Familial cancer of breast. Last evaluated: 2024-09-09. Review status: criteria provided, single submitter. Criteria: Myriad Autosomal Dominant, Autosomal Recessive and X-Linked Classification Criteria (2023). Collection method: clinical testing. Allele origin: unknown.
Comment: This variant is considered benign. This variant is a silent/synonymous amino acid change and it is not expected to impact splicing.